The following is an entry in ClinVar:

NM_022124.6(CDH23):c.3231T>G (p.Pro1077=)

Genes: C10orf105 (chromosome 10 open reading frame 105; minus strand), CDH23 (cadherin related 23; plus strand). Cytogenetic location: 10q22.1.
Variant type: single nucleotide variant.
Coding change: c.3231T>G on transcript NM_022124.6 (MANE Select); coding-DNA position 3231, T replaced by G.
Protein change: p.Pro1077=; no amino-acid change (proline 1077 retained).
Molecular consequence: synonymous variant. On other transcripts: 3 prime UTR variant (2).
Genome position (GRCh38, 1-based): chr10:71,712,675, T>G. VCF-style: chr10-71712675-T-G. GRCh37 (hg19) VCF-style: chr10-73472432-T-G.
Other names: c.*3261A>C (NM_001164375.3, NM_001168390.2); c.3231T>G, p.Pro1077= (NM_001171930.2).
Identifiers: ClinVar variation 681868 (VCV000681868.43), dbSNP rs766261756, ClinGen allele CA5544533.

ClinVar aggregate classification (germline): Likely benign. Review status: criteria provided, multiple submitters, no conflicts (2 of 4 stars). 5 submissions from 5 submitters: Likely benign (5). Last evaluated 2026-09-01.

Conditions:
CDH23-related disorder. Also called: CDH23-related condition; CDH23-related disorders.

Allele frequency attached by ClinVar (database versions not stated): ExAC 0.00009; gnomAD exomes 0.00009 and 0.00013; gnomAD 0.00015; TOPMed 0.00015.
gnomAD v4.1: 161 of 1,613,460 alleles (0.01%); highest among the groups gnomAD compares: Admixed American, 0.035%; 1 homozygote.

Submissions (5):

CeGaT Center for Human Genetics Tuebingen
Classification: Likely benign. Last evaluated: 2026-09-01. Review status: criteria provided, single submitter. Criteria: CeGaT Center For Human Genetics Tuebingen Variant Classification Criteria Version 2. Collection method: clinical testing. Allele origin: germline. Affected: yes. Observed: 2 variant alleles.
Comment: CDH23: BP4, BP7

Labcorp Genetics (formerly Invitae), Labcorp
Classification: Likely benign. Last evaluated: 2026-01-27. Review status: criteria provided, single submitter. Criteria: Invitae Variant Classification Sherloc (09022015). Collection method: clinical testing. Allele origin: germline.

PreventionGenetics, part of Exact Sciences
Classification: Likely benign for CDH23-related condition. Last evaluated: 2025-08-20. Review status: criteria provided, single submitter. Criteria: ACMG Guidelines, 2015. Collection method: clinical testing. Allele origin: germline.
Comment: This variant is classified as likely benign based on ACMG/AMP sequence variant interpretation guidelines (Richards et al. 2015 PMID: 25741868, with internal and published modifications).

Blueprint Genetics
Classification: Likely benign. Last evaluated: 2024-08-06. Review status: criteria provided, single submitter. Criteria: ACMG Guidelines, 2015. Collection method: clinical testing. Allele origin: germline.

GeneDx
Classification: Likely benign. Last evaluated: 2018-04-19. Review status: criteria provided, single submitter. Criteria: GeneDx Variant Classification (06012015). Collection method: clinical testing. Allele origin: germline. Affected: yes.
Comment: This variant is considered likely benign or benign based on one or more of the following criteria: it is a conservative change, it occurs at a poorly conserved position in the protein, it is predicted to be benign by multiple in silico algorithms, and/or has population frequency not consistent with disease.